The following is an entry in ClinVar:

ClinVar aggregate classification (germline): Uncertain significance (1 of 4 stars; one submission).

gnomAD v4.1: 2 of 1,613,766 alleles (0.00012%); highest among the groups gnomAD compares: Non-Finnish European, 0.00017%; no homozygotes.

Submission:

Labcorp Genetics (formerly Invitae), Labcorp
Classification: Uncertain significance. Last evaluated: 2026-01-26. Review status: criteria provided, single submitter. Criteria: Invitae Variant Classification Sherloc (09022015). Collection method: clinical testing. Allele origin: germline.
Comment: This sequence change affects a donor splice site in intron 26 of the A2ML1 gene. It is expected to disrupt RNA splicing. Variants that disrupt the donor or acceptor splice site typically lead to a loss of protein function (PMID: 16199547), however the current clinical and genetic evidence is not sufficient to establish whether loss-of-function variants in A2ML1 cause disease. This variant is not present in population databases (gnomAD no frequency). This variant has not been reported in the literature in individuals affected with A2ML1-related conditions. Algorithms developed to predict the effect of sequence changes on RNA splicing suggest that this variant may disrupt the consensus splice site. In summary, the available evidence is currently insufficient to determine the role of this variant in disease. Therefore, it has been classified as a Variant of Uncertain Significance.

Literature cited by the submitters: PubMed 16199547.

NM_144670.6(A2ML1):c.3264+1G>T

Gene: A2ML1 (alpha-2-macroglobulin like 1; plus strand). Cytogenetic location: 12p13.31.
Variant type: single nucleotide variant.
Coding change: c.3264+1G>T on transcript NM_144670.6 (MANE Select); the canonical splice donor site of the intron after coding-DNA position 3264, G replaced by T.
Molecular consequence: splice donor variant.
Genome position (GRCh38, 1-based): chr12:8,858,103, G>T. VCF-style: chr12-8858103-G-T. GRCh37 (hg19) VCF-style: chr12-9010699-G-T.
Other names: c.1791+1G>T (NM_001282424.3).
Identifiers: ClinVar variation 4741496 (VCV004741496.1).
Genomic context (GRCh38, chr12:8,858,103, plus strand): 5'-AACCAGCTCCCCAGTGGCTGCTATGCCAACGTGGGAAATCTCCTTCACACAGCTATGAAG[G>T]TGCGGATCTGTCCAGGAGCCTGCAGCCAACCACTGTCTCGAAGGACCCCACACCTCTGAC-3'